The following is an entry in ClinVar:

NM_001330588.2(TPP2):c.1529A>G (p.Tyr510Cys)

Gene: TPP2 (tripeptidyl peptidase 2; plus strand). Cytogenetic location: 13q33.1.
Variant type: single nucleotide variant.
Coding change: c.1529A>G on transcript NM_001330588.2 (MANE Select); coding-DNA position 1529, A replaced by G.
Protein change: p.Tyr510Cys; replaces tyrosine 510 with cysteine.
Molecular consequence: missense variant. On other transcripts: non-coding transcript variant (1).
Genome position (GRCh38, 1-based): chr13:102,636,243, A>G. VCF-style: chr13-102636243-A-G. GRCh37 (hg19) VCF-style: chr13-103288593-A-G.
Other names: c.1529A>G, p.Tyr510Cys (NM_001367947.1, NM_003291.4); short protein forms Y510C.
Identifiers: ClinVar variation 845452 (VCV000845452.3), dbSNP rs755836557, ClinGen allele CA7037763.

ClinVar aggregate classification (germline): Uncertain significance. Review status: criteria provided, multiple submitters, no conflicts (2 of 4 stars). 2 submissions from 2 submitters: Uncertain significance (2). Last evaluated 2023-02-16.

Conditions:
Inborn genetic diseases. Identifiers: MedGen C0950123, MeSH D030342.
Evans syndrome, immunodeficiency, and premature immunosenescence associated with tripeptidyl-peptidase II deficiency. Identifiers: MedGen CN231723. Disease mechanism: loss of function.

Allele frequency attached by ClinVar (database versions not stated): gnomAD below 0.00001 and 0.00001; gnomAD exomes below 0.00001 and 0.00001; ExAC 0.00002.
gnomAD v4.1: 7 of 1,612,380 alleles (0.00043%); highest among the groups gnomAD compares: South Asian, 0.0066%; no homozygotes.

Submissions (2):

Ambry Genetics
Classification: Uncertain significance for Inborn genetic diseases. Last evaluated: 2023-02-16. Review status: criteria provided, single submitter. Criteria: Ambry Variant Classification Scheme 2023. Collection method: clinical testing. Allele origin: germline.

Labcorp Genetics (formerly Invitae), Labcorp
Classification: Uncertain significance for Evans syndrome, immunodeficiency, and premature immunosenescence associated with tripeptidyl-peptidase II deficiency. Last evaluated: 2019-03-25. Review status: criteria provided, single submitter. Criteria: Invitae Variant Classification Sherloc (09022015). Collection method: clinical testing. Allele origin: germline.
Comment: This sequence change replaces tyrosine with cysteine at codon 510 of the TPP2 protein (p.Tyr510Cys). The tyrosine residue is highly conserved and there is a large physicochemical difference between tyrosine and cysteine. This variant is present in population databases (rs755836557, ExAC 0.01%). This variant has not been reported in the literature in individuals with TPP2-related conditions. Algorithms developed to predict the effect of missense changes on protein structure and function are either unavailable or do not agree on the potential impact of this missense change (SIFT: "Tolerated"; PolyPhen-2: "Probably Damaging"; Align-GVGD: "Class C25"). In summary, the available evidence is currently insufficient to determine the role of this variant in disease. Therefore, it has been classified as a Variant of Uncertain Significance.